The following is an entry in ClinVar:

ClinVar aggregate classification (germline): Likely benign. Review status: criteria provided, multiple submitters, no conflicts (2 of 4 stars). 2 submissions from 2 submitters: Likely benign (2). Last evaluated 2026-05-01.

Submissions (2):

CeGaT Center for Human Genetics Tuebingen
Classification: Likely benign. Last evaluated: 2026-05-01. Review status: criteria provided, single submitter. Criteria: CeGaT Center For Human Genetics Tuebingen Variant Classification Criteria Version 2. Collection method: clinical testing. Allele origin: germline. Affected: yes. Observed: 1 variant allele.
Comment: RHOBTB2: BP4, BP7

Labcorp Genetics (formerly Invitae), Labcorp
Classification: Likely benign. Last evaluated: 2023-06-10. Review status: criteria provided, single submitter. Criteria: Invitae Variant Classification Sherloc (09022015). Collection method: clinical testing. Allele origin: germline.

NM_015178.3(RHOBTB2):c.921C>A (p.Gly307=)

Gene: RHOBTB2 (Rho related BTB domain containing 2; plus strand). Cytogenetic location: 8p21.3.
Variant type: single nucleotide variant.
Coding change: c.921C>A on transcript NM_015178.3 (MANE Select); coding-DNA position 921, C replaced by A.
Protein change: p.Gly307=; no amino-acid change (glycine 307 retained).
Molecular consequence: synonymous variant.
Genome position (GRCh38, 1-based): chr8:23,007,166, C>A. VCF-style: chr8-23007166-C-A. GRCh37 (hg19) VCF-style: chr8-22864679-C-A.
Other names: c.987C>A, p.Gly329= (NM_001160036.2); c.942C>A, p.Gly314= (NM_001160037.2); c.921C>A, p.Gly307= (NM_001374791.1).
Identifiers: ClinVar variation 2966289 (VCV002966289.5), dbSNP rs1182807363, ClinGen allele CA460177644.